The following is an entry in ClinVar:

NM_003000.3(SDHB):c.479_482del (p.Lys160fs)

Gene: SDHB (succinate dehydrogenase complex iron sulfur subunit B; minus strand). Cytogenetic location: 1p36.13.
Variant type: Deletion.
Coding change: c.479_482del on transcript NM_003000.3 (MANE Select); coding-DNA positions 479 to 482, 4 bases deleted (AGGA; older notation c.479_482delAGGA).
Protein change: p.Lys160fs; shifts the reading frame from lysine 160.
Molecular consequence: frameshift variant.
Genome position (GRCh38, 1-based): chr1:17,027,807-17,027,810, TCCT deleted on the plus strand (AGGA on the coding strand, the reverse complement: SDHB is on the minus strand); deleting any 4 consecutive bases within chr1:17,027,807-17,027,812 gives the same sequence; the c. name uses the placement nearest the transcript's 3' end. VCF-style (leftmost placement, unchanged base first): chr1-17027806-ATCCT-A. GRCh37 (hg19) VCF-style: chr1-17354301-ATCCT-A.
Other names: short protein forms K160fs.
Identifiers: ClinVar variation 1177276 (VCV001177276.1), dbSNP rs2101521720, ClinGen allele CA2499214300.

ClinVar aggregate classification (germline): Likely pathogenic (1 of 4 stars; one submission).

Conditions:
Hereditary pheochromocytoma and paraganglioma. Also called: Hereditary paragangliomas and pheochromocytomas; Hereditary pheochromocytoma-paraganglioma; Hereditary Paraganglioma-Pheochromocytoma Syndromes. Identifiers: Orphanet 29072, MedGen C4274332, MONDO:0017366.

Submission:

Women's Health and Genetics/Laboratory Corporation of America, LabCorp
Classification: Likely pathogenic for Hereditary pheochromocytoma and paraganglioma. Last evaluated: 2021-06-24. Review status: criteria provided, single submitter. Criteria: LabCorp Variant Classification Summary - May 2015. Collection method: clinical testing. Allele origin: germline.
Comment: Variant summary: SDHB c.479_482delAGGA (p.Lys160MetfsX14) results in a premature termination codon, predicted to cause a truncation of the encoded protein or absence of the protein due to nonsense mediated decay, which are commonly known mechanisms for disease. Truncations downstream of this position have been classified as pathogenic by our laboratory. The variant was absent in 251372 control chromosomes (gnomAD). To our knowledge, no occurrence of c.479_482delAGGA in individuals affected with Hereditary Paraganglioma-Pheochromocytoma Syndrome and no experimental evidence demonstrating its impact on protein function have been reported. No clinical diagnostic laboratories have submitted clinical-significance assessments for this variant to ClinVar after 2014. Based on the evidence outlined above, the variant was classified as likely pathogenic.